The following is an entry in ClinVar:

NM_001164508.2(NEB):c.20719del (p.His6907fs)

Gene: NEB (nebulin; minus strand). Cytogenetic location: 2q23.3.
Variant type: Deletion.
Coding change: c.20719del on transcript NM_001164508.2 (MANE Select); coding-DNA position 20719, one base deleted (C; older notation c.20719delC).
Protein change: p.His6907fs; shifts the reading frame from histidine 6907.
Molecular consequence: frameshift variant.
Genome position (GRCh38, 1-based): chr2:151,540,765, G deleted on the plus strand (C on the coding strand, the reverse complement: NEB is on the minus strand); the first of 4 consecutive G bases (chr2:151,540,765-151,540,768); deleting any one gives the same sequence. VCF-style (leftmost placement, unchanged base first): chr2-151540764-TG-T. GRCh37 (hg19) VCF-style: chr2-152397278-TG-T.
Other names: NM_001164508.2:c.20719del; c.20719del, p.His6907fs (NM_001164507.2, NM_001271208.2); c.15616del, p.His5206fs (NM_004543.5); short protein forms H5206fs, H6907fs.
Identifiers: ClinVar variation 2412769 (VCV002412769.1), dbSNP rs2552156902, ClinGen allele CA913185924.

ClinVar aggregate classification (germline): Pathogenic (1 of 4 stars; one submission).

Conditions:
Nemaline myopathy 2 (NEM2). Also called: Nemaline myopathy 2, autosomal recessive. Identifiers: MedGen C1850569, MONDO:0009725, OMIM 256030.

Submission:

Broad Center for Mendelian Genomics, Broad Institute of MIT and Harvard
Classification: Pathogenic for Nemaline myopathy 2. Last evaluated: 2023-01-25. Review status: criteria provided, single submitter. Criteria: ACMG Guidelines, 2015. Collection method: curation. Allele origin: germline. Inheritance: Autosomal recessive inheritance.
Comment: Trio exome analysis revealed that this variant was in trans with a likely pathogenic variant (ClinVar Variation ID: 814016). The p.His6907IlefsTer11 variant in NEB has not been previously reported in individuals with nemaline myopathy 2. This variant was absent from large population studies. This variant is predicted to cause a frameshift, which alters the protein‚Äôs amino acid sequence beginning at position 807 and leads to a premature termination codon 75 amino acids downstream. This alteration is then predicted to lead to a truncated or absent protein. Loss of function of the NEB gene is an established disease mechanism in autosomal recessive nemaline myopathy 2. In summary, this variant meets criteria to be classified as pathogenic for nemaline myopathy 2. ACMG/AMP Criteria applied: PVS1, PM2_Supporting, PM3_Supporting (Richards 2015).